The following is an entry in ClinVar:

NM_006904.7(PRKDC):c.4933G>C (p.Val1645Leu)

Gene: PRKDC (protein kinase, DNA-activated, catalytic subunit; minus strand). Cytogenetic location: 8q11.21.
Variant type: single nucleotide variant.
Coding change: c.4933G>C on transcript NM_006904.7 (MANE Select); coding-DNA position 4933, G replaced by C.
Protein change: p.Val1645Leu; replaces valine 1645 with leucine.
Molecular consequence: missense variant.
Genome position (GRCh38, 1-based): chr8:47,881,941, C>G on the plus strand (G>C on the coding strand, the complement: PRKDC is on the minus strand). VCF-style: chr8-47881941-C-G. GRCh37 (hg19) VCF-style: chr8-48794502-C-G.
Other names: c.4933G>C, p.Val1645Leu (NM_001081640.2); short protein forms V1645L.
Identifiers: ClinVar variation 2072677 (VCV002072677.4), dbSNP rs1403024016, ClinGen allele CA371141523.

ClinVar aggregate classification (germline): Uncertain significance (1 of 4 stars; one submission).

Conditions:
Severe combined immunodeficiency due to DNA-PKcs deficiency. Also called: IMMUNODEFICIENCY 26 WITH NEUROLOGIC ABNORMALITIES; Immunodeficiency 26 with or without neurologic abnormalities. Identifiers: Orphanet 317425, MedGen C4014833, MONDO:0014423, OMIM 615966.

Allele frequency attached by ClinVar (database versions not stated): gnomAD exomes below 0.00001.
gnomAD v4.1: 2 of 1,613,478 alleles (0.00012%); highest among the groups gnomAD compares: Non-Finnish European, 0.00017%; no homozygotes.

Submission:

Labcorp Genetics (formerly Invitae), Labcorp
Classification: Uncertain significance for Severe combined immunodeficiency due to DNA-PKcs deficiency. Last evaluated: 2022-04-13. Review status: criteria provided, single submitter. Criteria: Invitae Variant Classification Sherloc (09022015). Collection method: clinical testing. Allele origin: germline.
Comment: In summary, the available evidence is currently insufficient to determine the role of this variant in disease. Therefore, it has been classified as a Variant of Uncertain Significance. Experimental studies and prediction algorithms are not available or were not evaluated, and the functional significance of this variant is currently unknown. This variant has not been reported in the literature in individuals affected with PRKDC-related conditions. This variant is not present in population databases (gnomAD no frequency). This sequence change replaces valine, which is neutral and non-polar, with leucine, which is neutral and non-polar, at codon 1645 of the PRKDC protein (p.Val1645Leu).